The following is an entry in ClinVar:

ClinVar aggregate classification (germline): Uncertain significance (1 of 4 stars; one submission).

Conditions:
Cardiovascular phenotype. Identifiers: MedGen CN230736.

gnomAD v4.1: 4 of 1,614,076 alleles (0.00025%); highest among the groups gnomAD compares: Non-Finnish European, 0.00025%; no homozygotes.

Submission:

Ambry Genetics
Classification: Uncertain significance for Cardiovascular phenotype. Last evaluated: 2024-05-17. Review status: criteria provided, single submitter. Criteria: Ambry Variant Classification Scheme 2023. Collection method: clinical testing. Allele origin: germline.
Comment: The p.I2993R variant (also known as c.8978T>G), located in coding exon 38 of the ANK2 gene, results from a T to G substitution at nucleotide position 8978. The isoleucine at codon 2993 is replaced by arginine, an amino acid with similar properties. This amino acid position is conserved. In addition, the in silico prediction for this alteration is inconclusive. Based on the available evidence, the clinical significance of this variant remains unclear.

NM_001148.6(ANK2):c.8978T>G (p.Ile2993Arg)

Gene: ANK2 (ankyrin 2; plus strand). Cytogenetic location: 4q26.
Variant type: single nucleotide variant.
Coding change: c.8978T>G on transcript NM_001148.6 (MANE Select); coding-DNA position 8978, T replaced by G.
Protein change: p.Ile2993Arg; replaces isoleucine 2993 with arginine.
Molecular consequence: missense variant. On other transcripts: intron variant (68).
Genome position (GRCh38, 1-based): chr4:113,357,596, T>G. VCF-style: chr4-113357596-T-G. GRCh37 (hg19) VCF-style: chr4-114278752-T-G.
Other names: c.8744T>G, p.Ile2915Arg (NM_001386142.1); c.5378T>G, p.Ile1793Arg (NM_001386166.1); c.9119T>G, p.Ile3040Arg (NM_001386174.1); c.9095T>G, p.Ile3032Arg (NM_001386175.1); c.4412-3227T>G (NM_001386186.2, NM_001386148.2); c.4214-3227T>G (NM_001354269.3); c.4292-3227T>G (NM_001386187.2); c.4253-3227T>G (NM_001386147.1); and 35 more; short protein forms I3032R, I1793R, I3040R, I2915R, I2993R.
Identifiers: ClinVar variation 3295039 (VCV003295039.1).